The following is an entry in ClinVar:

NM_001927.4(DES):c.7C>T (p.Gln3Ter)

Gene: DES (desmin; plus strand). Cytogenetic location: 2q35.
Variant type: single nucleotide variant.
Coding change: c.7C>T on transcript NM_001927.4 (MANE Select); coding-DNA position 7, C replaced by T.
Protein change: p.Gln3Ter; replaces glutamine 3 with a stop codon.
Molecular consequence: nonsense.
Genome position (GRCh38, 1-based): chr2:219,418,469, C>T. VCF-style: chr2-219418469-C-T. GRCh37 (hg19) VCF-style: chr2-220283191-C-T.
Other names: short protein forms Q3*.
Identifiers: ClinVar variation 836201 (VCV000836201.10), dbSNP rs1954358233, ClinGen allele CA350681964.

ClinVar aggregate classification (germline): Pathogenic/Likely pathogenic. Review status: criteria provided, multiple submitters, no conflicts (2 of 4 stars). 2 submissions from 2 submitters: Pathogenic (1); Likely pathogenic (1). Last evaluated 2023-05-04.

Conditions:
Desmin-related myofibrillar myopathy (MFM1). Also called: MYOFIBRILLAR MYOPATHY WITH ARRHYTHMOGENIC RIGHT VENTRICULAR CARDIOMYOPATHY; DESMIN-RELATED MYOPATHY WITH ARRHYTHMOGENIC RIGHT VENTRICULAR CARDIOMYOPATHY; Desminopathy; Desmin related myopathy (former name); Desmin storage myopathy (former name); Myofibrillar myopathy 1. Identifiers: Orphanet 363543, Orphanet 98909, MedGen C1832370, MONDO:0011076, OMIM 601419.

gnomAD v4.1: 1 of 1,595,340 alleles (0.000063%); no homozygotes.

Submissions (2):

Revvity Omics, Revvity
Classification: Likely pathogenic. Last evaluated: 2023-05-04. Review status: criteria provided, single submitter. Criteria: ACMG Guidelines, 2015. Collection method: clinical testing. Allele origin: germline.

Labcorp Genetics (formerly Invitae), Labcorp
Classification: Pathogenic for Desmin-related myofibrillar myopathy. Last evaluated: 2019-01-26. Review status: criteria provided, single submitter. Criteria: Invitae Variant Classification Sherloc (09022015). Collection method: clinical testing. Allele origin: germline.
Comment: This sequence change creates a premature translational stop signal (p.Gln3*) in the DES gene. It is expected to result in an absent or disrupted protein product. This variant is not present in population databases (ExAC no frequency). This variant has not been reported in the literature in individuals with DES-related conditions. Loss-of-function variants in DES are known to be pathogenic (PMID: 23575897). For these reasons, this variant has been classified as Pathogenic.

Literature cited by the submitters: PubMed 23575897 (cited by Labcorp Genetics (formerly Invitae), Labcorp).